The following is an entry in ClinVar:

NM_015047.3(EMC1):c.1676del (p.Gln559fs)

Genes: EMC1 (ER membrane protein complex subunit 1; minus strand), EMC1-AS1 (EMC1 antisense RNA 1; plus strand). Cytogenetic location: 1p36.13.
Variant type: Deletion.
Coding change: c.1676del on transcript NM_015047.3 (MANE Select); coding-DNA position 1676, one base deleted (A; older notation c.1676delA).
Protein change: p.Gln559fs; shifts the reading frame from glutamine 559.
Molecular consequence: frameshift variant.
Genome position (GRCh38, 1-based): chr1:19,232,730, T deleted on the plus strand (A on the coding strand, the reverse complement: EMC1 is on the minus strand). VCF-style (leftmost placement, unchanged base first): chr1-19232729-CT-C. GRCh37 (hg19) VCF-style: chr1-19559223-CT-C.
Other names: c.1673del, p.Gln558fs (NM_001271427.2, NM_001271428.2); c.1610del, p.Gln537fs (NM_001271429.2); c.1685del, p.Gln562fs (NM_001375820.1); c.1682del, p.Gln561fs (NM_001375821.1); short protein forms Q558fs, Q537fs, Q559fs, Q561fs, Q562fs.
Identifiers: ClinVar variation 1457221 (VCV001457221.6), dbSNP rs2093533157, ClinGen allele CA999272199.

ClinVar aggregate classification (germline): Pathogenic (1 of 4 stars; one submission).

Allele frequency attached by ClinVar (database versions not stated): gnomAD 0.00001; TOPMed 0.00001.

Submission:

Labcorp Genetics (formerly Invitae), Labcorp
Classification: Pathogenic. Last evaluated: 2022-10-13. Review status: criteria provided, single submitter. Criteria: Invitae Variant Classification Sherloc (09022015). Collection method: clinical testing. Allele origin: germline.
Comment: For these reasons, this variant has been classified as Pathogenic. This sequence change creates a premature translational stop signal (p.Gln559Argfs*14) in the EMC1 gene. It is expected to result in an absent or disrupted protein product. Loss-of-function variants in EMC1 are known to be pathogenic (PMID: 26572623, 26942288, 29271071). This variant is not present in population databases (gnomAD no frequency). This variant has not been reported in the literature in individuals affected with EMC1-related conditions. ClinVar contains an entry for this variant (Variation ID: 1457221).

Literature cited by the submitters: PubMed 26572623; PubMed 26942288; PubMed 29271071.